The following is an entry in ClinVar:

ClinVar aggregate classification (germline): Pathogenic (1 of 4 stars; one submission).

Submission:

GeneDx
Classification: Pathogenic. Last evaluated: 2024-02-26. Review status: criteria provided, single submitter. Criteria: GeneDx Variant Classification Process June 2021. Collection method: clinical testing. Allele origin: germline. Affected: yes.
Comment: Canonical splice site variant predicted to result in a null allele in a gene for which loss of function is a known mechanism of disease; Not observed at significant frequency in large population cohorts (gnomAD); This variant is associated with the following publications: (PMID: 35368817, 27835667, 37231942, 30816285)

NM_001009944.3(PKD1):c.11712+1G>A

Gene: PKD1 (polycystin 1, transient receptor potential channel interacting; minus strand). Cytogenetic location: 16p13.3.
Variant type: single nucleotide variant.
Coding change: c.11712+1G>A on transcript NM_001009944.3 (MANE Select); the canonical splice donor site of the intron after coding-DNA position 11712, G replaced by A.
Molecular consequence: splice donor variant.
Genome position (GRCh38, 1-based): chr16:2,091,422, C>T on the plus strand (G>A on the coding strand, the complement: PKD1 is on the minus strand). VCF-style: chr16-2091422-C-T. GRCh37 (hg19) VCF-style: chr16-2141423-C-T.
Other names: c.11709+1G>A (NM_000296.4).
Identifiers: ClinVar variation 3340329 (VCV003340329.1).